The following is an entry in ClinVar:

ClinVar aggregate classification (germline): Likely benign (1 of 4 stars; one submission).

Allele frequency attached by ClinVar (database versions not stated): gnomAD exomes below 0.00001.
gnomAD v4.1: 3 of 1,613,400 alleles (0.00019%); highest among the groups gnomAD compares: Non-Finnish European, 0.00025%; no homozygotes.

Submission:

CeGaT Center for Human Genetics Tuebingen
Classification: Likely benign. Last evaluated: 2023-08-01. Review status: criteria provided, single submitter. Criteria: CeGaT Center For Human Genetics Tuebingen Variant Classification Criteria Version 2. Collection method: clinical testing. Allele origin: germline. Affected: yes. Observed: 1 variant allele.
Comment: ADAMTS19: PM2:Supporting, BP4, BP7

NM_133638.6(ADAMTS19):c.2646A>C (p.Thr882=)

Gene: ADAMTS19 (ADAM metallopeptidase with thrombospondin type 1 motif 19; plus strand). Cytogenetic location: 5q23.3.
Variant type: single nucleotide variant.
Coding change: c.2646A>C on transcript NM_133638.6 (MANE Select); coding-DNA position 2646, A replaced by C.
Protein change: p.Thr882=; no amino-acid change (threonine 882 retained).
Molecular consequence: synonymous variant.
Genome position (GRCh38, 1-based): chr5:129,679,903, A>C. VCF-style: chr5-129679903-A-C. GRCh37 (hg19) VCF-style: chr5-129015596-A-C.
Identifiers: ClinVar variation 2655687 (VCV002655687.24), dbSNP rs2479362903, ClinGen allele CA446309489.
Genomic context (GRCh38, chr5:129,679,903, plus strand): 5'-TACCGTTCATTATGTAAGACGAGGCCTCTGGGAGAAGATCTCTGCCAAAGGTCCTACTAC[A>C]GCACCTTTACATCTTCTGGTATGAGGGAATGAATTGATAACATGGCATAATCAACTTCTC-3'
Protein context (NP_598377.4, residues 872-892): WEKISAKGPT[Thr882=]APLHLLVLLF